The following is an entry in ClinVar:

ClinVar aggregate classification (germline): Pathogenic. Review status: criteria provided, multiple submitters, no conflicts (2 of 4 stars). 2 submissions from 2 submitters: Pathogenic (2). Last evaluated 2024-06-18.

Conditions:
Epidermolysis bullosa pruriginosa. Also called: DEB, PRURIGINOSA; DYSTROPHIC EPIDERMOLYSIS BULLOSA PRURIGINOSA. Identifiers: Orphanet 89843, MedGen C1275114, MONDO:0011398, OMIM 604129.
Generalized dominant dystrophic epidermolysis bullosa (DDEB). Also called: Dominant DEB (DDEB); DDEB, generalized; DDEB-gen; DYSTROPHIC EPIDERMOLYSIS BULLOSA, AUTOSOMAL DOMINANT; Epidermolysis bullosa dystrophica, autosomal dominant. Identifiers: Orphanet 231568, MedGen C0432322, MONDO:0007549, OMIM 131750.
Recessive dystrophic epidermolysis bullosa (RDEB). Also called: epidermolysis bullosa dystrophica, autosomal recessive; Recessive DEB (RDEB); DYSTROPHIC EPIDERMOLYSIS BULLOSA, AUTOSOMAL RECESSIVE; EPIDERMOLYSIS BULLOSA DYSTROPHICA, HALLOPEAU-SIEMENS TYPE; severe generalized recessive dystrophic epidermolysis bullosa; Epidermolysis Bullosa Distrophica Autosomal Recessive (RDEB). Identifiers: Orphanet 79408, Orphanet 79409, MedGen C0079474, MONDO:0009179, OMIM 226600.
Nonsyndromic congenital nail disorder 8. Also called: TOENAIL DYSTROPHY, ISOLATED. Identifiers: MedGen C1843761, MONDO:0011852, OMIM 607523.
Pretibial dystrophic epidermolysis bullosa. Also called: EPIDERMOLYSIS BULLOSA DYSTROPHICA, PRETIBIAL; Pretibial blistering; Pretibial epidermolysis bullosa. Identifiers: Orphanet 79410, MedGen C0432321, MONDO:0007552, OMIM 131850, HP:0012221.
Dominant dystrophic epidermolysis bullosa with absence of skin. Also called: EPIDERMOLYSIS BULLOSA DYSTROPHICA, BART TYPE; EPIDERMOLYSIS BULLOSA WITH CONGENITAL LOCALIZED ABSENCE OF SKIN AND DEFORMITY OF NAILS. Identifiers: MedGen C0268371, MONDO:0007557, OMIM 132000.
Transient bullous dermolysis of the newborn (TBDN). Also called: EPIDERMOLYSIS BULLOSA DYSTROPHICA, NEONATAL FORM; DYSTROPHIC EPIDERMOLYSIS BULLOSA, NEONATAL. Identifiers: Orphanet 79411, MedGen C1851573, MONDO:0007548, OMIM 131705.

Submissions (2):

Fulgent Genetics
Classification: Pathogenic for Transient bullous dermolysis of the newborn; Generalized dominant dystrophic epidermolysis bullosa; Pretibial dystrophic epidermolysis bullosa; Dominant dystrophic epidermolysis bullosa with absence of skin; Recessive dystrophic epidermolysis bullosa; Epidermolysis bullosa pruriginosa; Nonsyndromic congenital nail disorder 8. Last evaluated: 2024-06-18. Review status: criteria provided, single submitter. Criteria: ACMG Guidelines, 2015. Collection method: clinical testing. Allele origin: germline.

Labcorp Genetics (formerly Invitae), Labcorp
Classification: Pathogenic. Last evaluated: 2022-05-27. Review status: criteria provided, single submitter. Criteria: Invitae Variant Classification Sherloc (09022015). Collection method: clinical testing. Allele origin: germline.
Comment: This sequence change creates a premature translational stop signal (p.Gln929*) in the COL7A1 gene. It is expected to result in an absent or disrupted protein product. Loss-of-function variants in COL7A1 are known to be pathogenic (PMID: 16971478). For these reasons, this variant has been classified as Pathogenic. This variant has not been reported in the literature in individuals affected with COL7A1-related conditions. This variant is not present in population databases (gnomAD no frequency).

Literature cited by the submitters: PubMed 16971478 (cited by Labcorp Genetics (formerly Invitae), Labcorp).

NM_000094.4(COL7A1):c.2785C>T (p.Gln929Ter)

Gene: COL7A1 (collagen type VII alpha 1 chain; minus strand). Cytogenetic location: 3p21.31.
Variant type: single nucleotide variant.
Coding change: c.2785C>T on transcript NM_000094.4 (MANE Select); coding-DNA position 2785, C replaced by T.
Protein change: p.Gln929Ter; replaces glutamine 929 with a stop codon.
Molecular consequence: nonsense.
Genome position (GRCh38, 1-based): chr3:48,587,865, G>A on the plus strand (C>T on the coding strand, the complement: COL7A1 is on the minus strand). VCF-style: chr3-48587865-G-A. GRCh37 (hg19) VCF-style: chr3-48625298-G-A.
Other names: short protein forms Q929*.
Identifiers: ClinVar variation 1443361 (VCV001443361.7), dbSNP rs2107760251, ClinGen allele CA352715930.
Genomic context (GRCh38, chr3:48,587,865, plus strand): 5'-TCACCTCTGCAGAGGGCCCTTCTCCAGCTGGCCCTAGGACACTCAGCCTCACGCGGTACT[G>A]TGTCGCTGGCTCCAGCCCGTCCAGGTGATAGCTGCTGAGCTCGGGCCCCAGGACCCGGGA-3'